The following is an entry in ClinVar:

NC_000001.10:g.(?_241661128)_(241661280_?)del

Gene: FH (fumarate hydratase; minus strand). Cytogenetic location: 1q43.
Variant type: Deletion.
Identifiers: ClinVar variation 1073832 (VCV001073832.45).

ClinVar aggregate classification (germline): Pathogenic (1 of 4 stars; one submission).

Submission:

Labcorp Genetics (formerly Invitae), Labcorp
Classification: Pathogenic. Last evaluated: 2021-02-05. Review status: criteria provided, single submitter. Criteria: Invitae Variant Classification Sherloc (09022015). Collection method: clinical testing. Allele origin: germline.
Comment: For these reasons, this variant has been classified as Pathogenic. This variant disrupts the C-terminus of the FH protein. Other variant(s) that disrupt this region (p.Trp500*) have been determined to be pathogenic (PMID: 9635293, 21398687). This suggests that variants that disrupt this region of the protein are likely to be causative of disease. This variant has not been reported in the literature in individuals with FH-related conditions. This variant is a gross deletion of the genomic region encompassing exon(s) 10 of the FH gene. The 5' boundary is likely confined to intron 9. The 3' end of this event is unknown as it extends through the termination codon beyond the assayed region for this gene and may encompass additional genes. While this deletion is not anticipated to result in nonsense mediated decay, it is expected to create a truncated protein product or disrupt mRNA translation.

Literature cited by the submitters: PubMed 9635293; PubMed 21398687.